The following is an entry in ClinVar:

ClinVar aggregate classification (germline): Benign/Likely benign. Review status: criteria provided, multiple submitters, no conflicts (2 of 4 stars). 12 submissions from 11 submitters: Benign (6); Likely benign (4). 2 of the submissions do not count toward it. Last evaluated 2026-06-01.

Conditions:
Acrokeratosis verruciformis of Hopf (AKV). Also called: Acrokeratosis verruciformis; HOPF DISEASE. Identifiers: Orphanet 79151, MedGen C0265971, MONDO:0007048, OMIM 101900.
Keratosis follicularis (DAR). Also called: Darier disease; Darier's disease. Identifiers: Orphanet 218, MedGen C0022595, MONDO:0007417, OMIM 124200.

Allele frequency attached by ClinVar (database versions not stated): 1000 Genomes Project 0.00359; 1000 Genomes Project 30x 0.00375; TOPMed 0.00600; ESP Exome Variant Server 0.00654; gnomAD 0.00693 and 0.00696; ExAC 0.00730; gnomAD exomes 0.00749 and 0.00934.
gnomAD v4.1: 14,522 of 1,614,132 alleles (0.9%); highest among the groups gnomAD compares: Non-Finnish European, 1%; 74 homozygotes.

Submissions (12):

CeGaT Center for Human Genetics Tuebingen
Classification: Likely benign. Last evaluated: 2026-06-01. Review status: criteria provided, single submitter. Criteria: CeGaT Center For Human Genetics Tuebingen Variant Classification Criteria Version 2. Collection method: clinical testing. Allele origin: germline. Affected: yes. Observed: 6 variant alleles.
Comment: ATP2A2: BP4, BP7

Labcorp Genetics (formerly Invitae), Labcorp
Classification: Benign. Last evaluated: 2026-01-15. Review status: criteria provided, single submitter. Criteria: Invitae Variant Classification Sherloc (09022015). Collection method: clinical testing. Allele origin: germline.

Fulgent Genetics
Classification: Likely benign for Acrokeratosis verruciformis of Hopf; Keratosis follicularis. Last evaluated: 2022-04-21. Review status: criteria provided, single submitter. Criteria: ACMG Guidelines, 2015. Collection method: clinical testing. Allele origin: unknown.

Genome-Nilou Lab
Classification: Benign for Acrokeratosis verruciformis of Hopf. Last evaluated: 2021-12-05. Review status: criteria provided, single submitter. Criteria: ACMG Guidelines, 2015. Collection method: clinical testing. Allele origin: germline. Affected: no.

Genome-Nilou Lab
Classification: Benign for Keratosis follicularis. Last evaluated: 2021-12-05. Review status: criteria provided, single submitter. Criteria: ACMG Guidelines, 2015. Collection method: clinical testing. Allele origin: germline. Affected: no.

Mendelics
Classification: Benign for Keratosis follicularis. Last evaluated: 2019-05-28. Review status: criteria provided, single submitter. Criteria: Mendelics Assertion Criteria 2017. Collection method: clinical testing. Allele origin: unknown.

Illumina Laboratory Services, Illumina
Classification: Benign for Keratosis follicularis. Last evaluated: 2018-03-06. Review status: criteria provided, single submitter. Criteria: ICSL Variant Classification Criteria 13 December 2019. Collection method: clinical testing. Allele origin: germline.
Comment: This variant was observed in the ICSL laboratory as part of a predisposition screen in an ostensibly healthy population. It had not been previously curated by ICSL or reported in the Human Gene Mutation Database (HGMD: prior to June 1st, 2018), and was therefore a candidate for classification through an automated scoring system. Utilizing variant allele frequency, disease prevalence and penetrance estimates, and inheritance mode, an automated score was calculated to assess if this variant is too frequent to cause the disease. Based on the score and internal cut-off values, a variant classified as benign is not then subjected to further curation. The score for this variant resulted in a classification of benign for this disease.

GeneDx
Classification: Benign. Last evaluated: 2016-05-13. Review status: criteria provided, single submitter. Criteria: GeneDx Variant Classification (06012015). Collection method: clinical testing. Allele origin: germline. Affected: yes.
Comment: This variant is considered likely benign or benign based on one or more of the following criteria: it is a conservative change, it occurs at a poorly conserved position in the protein, it is predicted to be benign by multiple in silico algorithms, and/or has population frequency not consistent with disease.

Laboratory for Molecular Medicine, Mass General Brigham Personalized Medicine
Classification: Likely benign. Last evaluated: 2016-03-28. Review status: criteria provided, single submitter. Criteria: LMM Criteria. Collection method: clinical testing. Allele origin: germline.
Comment: Variant identified in a genome or exome case(s) and assessed due to predicted null impact of the variant or pathogenic assertions in the literature or databases. Disclaimer: This variant has not undergone full assessment. The following are preliminary notes: ExAC frequency, risk for lung cancer, silent variant

Breakthrough Genomics
Classification: Likely benign. Review status: criteria provided, single submitter. Criteria: ACMG Guidelines, 2015. Collection method: not provided. Allele origin: germline. Inheritance: Autosomal dominant inheritance. Affected: yes.

Diagnostic Laboratory, Department of Genetics, University Medical Center Groningen
Classification: Benign. Review status: no assertion criteria provided. Collection method: clinical testing. Allele origin: germline. Affected: yes. Study: VKGL Data-share Consensus. Not counted in ClinVar's aggregate classification.

Genome Diagnostics Laboratory, University Medical Center Utrecht
Classification: Likely benign. Review status: no assertion criteria provided. Collection method: clinical testing. Allele origin: germline. Affected: yes. Study: VKGL Data-share Consensus. Not counted in ClinVar's aggregate classification.

NM_170665.4(ATP2A2):c.327A>G (p.Glu109=)

Gene: ATP2A2 (ATPase sarcoplasmic/endoplasmic reticulum Ca2+ transporting 2; plus strand). Cytogenetic location: 12q24.11.
Variant type: single nucleotide variant.
Coding change: c.327A>G on transcript NM_170665.4 (MANE Select); coding-DNA position 327, A replaced by G.
Protein change: p.Glu109=; no amino-acid change (glutamic acid 109 retained).
Molecular consequence: synonymous variant.
Genome position (GRCh38, 1-based): chr12:110,296,601, A>G. VCF-style: chr12-110296601-A-G. GRCh37 (hg19) VCF-style: chr12-110734406-A-G.
Other names: c.327A>G, p.Glu109= (NM_001681.4).
Identifiers: ClinVar variation 307165 (VCV000307165.49), dbSNP rs55984131, ClinGen allele CA6783675.